The following is an entry in ClinVar:

NM_000494.4(COL17A1):c.1423T>C (p.Trp475Arg)

Gene: COL17A1 (collagen type XVII alpha 1 chain; minus strand). Cytogenetic location: 10q25.1.
Variant type: single nucleotide variant.
Coding change: c.1423T>C on transcript NM_000494.4 (MANE Select); coding-DNA position 1423, T replaced by C.
Protein change: p.Trp475Arg; replaces tryptophan 475 with arginine.
Molecular consequence: missense variant.
Genome position (GRCh38, 1-based): chr10:104,057,017, A>G on the plus strand (T>C on the coding strand, the complement: COL17A1 is on the minus strand). VCF-style: chr10-104057017-A-G. GRCh37 (hg19) VCF-style: chr10-105816775-A-G.
Other names: short protein forms W475R.
Identifiers: ClinVar variation 4741855 (VCV004741855.1).

ClinVar aggregate classification (germline): Uncertain significance (1 of 4 stars; one submission).

gnomAD v4.1: 2 of 1,594,768 alleles (0.00013%); highest among the groups gnomAD compares: Non-Finnish European, 0.00017%; no homozygotes.

Submission:

Labcorp Genetics (formerly Invitae), Labcorp
Classification: Uncertain significance. Last evaluated: 2025-06-16. Review status: criteria provided, single submitter. Criteria: Invitae Variant Classification Sherloc (09022015). Collection method: clinical testing. Allele origin: germline.
Comment: This sequence change replaces tryptophan, which is neutral and slightly polar, with arginine, which is basic and polar, at codon 475 of the COL17A1 protein (p.Trp475Arg). This variant is present in population databases (no rsID available, gnomAD 0.001%). This variant has not been reported in the literature in individuals affected with COL17A1-related conditions. Invitae Evidence Modeling of protein sequence and biophysical properties (such as structural, functional, and spatial information, amino acid conservation, physicochemical variation, residue mobility, and thermodynamic stability) indicates that this missense variant is not expected to disrupt COL17A1 protein function with a negative predictive value of 80%. In summary, the available evidence is currently insufficient to determine the role of this variant in disease. Therefore, it has been classified as a Variant of Uncertain Significance.